The following is an entry in ClinVar:

ClinVar aggregate classification (germline): Uncertain significance (1 of 4 stars; one submission).

Conditions:
Propionic acidemia (PROP). Also called: GLYCINEMIA, KETOTIC; HYPERGLYCINEMIA WITH KETOACIDOSIS AND LEUKOPENIA; KETOTIC HYPERGLYCINEMIA. Identifiers: Orphanet 35, MedGen C0268579, MONDO:0011628, OMIM 606054, HP:0003571.

gnomAD v4.1: 1 of 1,613,902 alleles (0.000062%); highest among the groups gnomAD compares: Admixed American, 0.0017%; no homozygotes.

Submission:

3billion
Classification: Uncertain significance for Propionic acidemia. Last evaluated: 2025-10-16. Review status: criteria provided, single submitter. Criteria: ACMG Guidelines, 2015. Collection method: clinical testing. Allele origin: germline. Affected: yes.
Comment: The variant is observed at an extremely low frequency in the gnomAD v4.1.0 dataset (total allele frequency: <0.001%). Predicted Consequence/Location: Missense variant In silico tool predictions suggest damaging effect of the variant on gene or gene product [REVEL: 0.95 (>=0.6, sensitivity 0.68 and specificity 0.92); 3Cnet: 0.99 (> 0.75, sensitivity 0.96 and precision 0.92)]. Therefore, this variant is classified as VUS according to the recommendation of ACMG/AMP guideline.

NM_000532.5(PCCB):c.1046G>A (p.Gly349Glu)

Gene: PCCB (propionyl-CoA carboxylase subunit beta; plus strand). Cytogenetic location: 3q22.3.
Variant type: single nucleotide variant.
Coding change: c.1046G>A on transcript NM_000532.5 (MANE Select); coding-DNA position 1046, G replaced by A.
Protein change: p.Gly349Glu; replaces glycine 349 with glutamic acid.
Molecular consequence: missense variant.
Genome position (GRCh38, 1-based): chr3:136,317,020, G>A. VCF-style: chr3-136317020-G-A. GRCh37 (hg19) VCF-style: chr3-136035862-G-A.
Other names: c.1106G>A, p.Gly369Glu (NM_001178014.2); short protein forms G349E, G369E.
Identifiers: ClinVar variation 4855102 (VCV004855102.1).